The following is an entry in ClinVar:

NM_001395891.1(CLASP1):c.3861G>A (p.Pro1287=)

Gene: CLASP1 (cytoplasmic linker associated protein 1; minus strand). Cytogenetic location: 2q14.2.
Variant type: single nucleotide variant.
Coding change: c.3861G>A on transcript NM_001395891.1 (MANE Select); coding-DNA position 3861, G replaced by A.
Protein change: p.Pro1287=; no amino-acid change (proline 1287 retained).
Molecular consequence: synonymous variant.
Genome position (GRCh38, 1-based): chr2:121,367,676, C>T on the plus strand (G>A on the coding strand, the complement: CLASP1 is on the minus strand). VCF-style: chr2-121367676-C-T. GRCh37 (hg19) VCF-style: chr2-122125252-C-T.
Other names: c.3798G>A, p.Pro1266= (NM_015282.3); c.3621G>A, p.Pro1207= (NM_001142273.2); c.3597G>A, p.Pro1199= (NM_001142274.2); c.3615G>A, p.Pro1205= (NM_001207051.2, NM_001378005.1); c.3702G>A, p.Pro1234= (NM_001378003.1); c.3594G>A, p.Pro1198= (NM_001378004.1).
Identifiers: ClinVar variation 3043713 (VCV003043713.2), dbSNP rs553380975, ClinGen allele CA1853502.

ClinVar aggregate classification (germline): Likely benign (0 of 4 stars; one submission).

Conditions:
CLASP1-related disorder. Also called: CLASP1-related condition.

Allele frequency attached by ClinVar (database versions not stated): ExAC 0.00004.
gnomAD v4.1: 97 of 1,613,888 alleles (0.006%); highest among the groups gnomAD compares: Middle Eastern, 0.016%; no homozygotes.

Submission:

PreventionGenetics, part of Exact Sciences
Classification: Likely benign for CLASP1-related condition. Last evaluated: 2019-05-28. Review status: no assertion criteria provided. Collection method: clinical testing. Allele origin: germline.
Comment: This variant is classified as likely benign based on ACMG/AMP sequence variant interpretation guidelines (Richards et al. 2015 PMID: 25741868, with internal and published modifications).